The following is an entry in ClinVar:

ClinVar aggregate classification (germline): Uncertain significance (1 of 4 stars; one submission).

Conditions:
Early Myoclonic Encephalopathy. Identifiers: MedGen C0270855.

Allele frequency attached by ClinVar (database versions not stated): gnomAD exomes 0.00002 and 0.00001; ExAC 0.00001.
gnomAD v4.1: 7 of 1,613,618 alleles (0.00043%); highest among the groups gnomAD compares: Admixed American, 0.0083%; no homozygotes.

Submission:

Labcorp Genetics (formerly Invitae), Labcorp
Classification: Uncertain significance for Early Myoclonic Encephalopathy. Last evaluated: 2021-11-23. Review status: criteria provided, single submitter. Criteria: Invitae Variant Classification Sherloc (09022015). Collection method: clinical testing. Allele origin: germline.
Comment: In summary, the available evidence is currently insufficient to determine the role of this variant in disease. Therefore, it has been classified as a Variant of Uncertain Significance. Algorithms developed to predict the effect of missense changes on protein structure and function (SIFT, PolyPhen-2, Align-GVGD) all suggest that this variant is likely to be tolerated. ClinVar contains an entry for this variant (Variation ID: 460246). This variant has not been reported in the literature in individuals affected with JMJD1C-related conditions. This variant is present in population databases (rs778255192, gnomAD 0.01%). This sequence change replaces threonine, which is neutral and polar, with isoleucine, which is neutral and non-polar, at codon 1453 of the JMJD1C protein (p.Thr1453Ile).

NM_032776.3(JMJD1C):c.4358C>T (p.Thr1453Ile)

Gene: JMJD1C (jumonji domain containing 1C; minus strand). Cytogenetic location: 10q21.3.
Variant type: single nucleotide variant.
Coding change: c.4358C>T on transcript NM_032776.3 (MANE Select); coding-DNA position 4358, C replaced by T.
Protein change: p.Thr1453Ile; replaces threonine 1453 with isoleucine.
Molecular consequence: missense variant. On other transcripts: non-coding transcript variant (1).
Genome position (GRCh38, 1-based): chr10:63,207,311, G>A on the plus strand (C>T on the coding strand, the complement: JMJD1C is on the minus strand). VCF-style: chr10-63207311-G-A. GRCh37 (hg19) VCF-style: chr10-64967071-G-A.
Other names: c.3812C>T, p.Thr1271Ile (NM_001282948.2, NM_001318154.2); c.3494C>T, p.Thr1165Ile (NM_001318153.2); c.4244C>T, p.Thr1415Ile (NM_001322252.2); c.3701C>T, p.Thr1234Ile (NM_001322254.2, NM_001322258.2); short protein forms T1453I, T1415I, T1234I, T1165I, T1271I.
Identifiers: ClinVar variation 460246 (VCV000460246.9), dbSNP rs778255192, ClinGen allele CA5518283.